The following is an entry in ClinVar:

NM_199355.4(ADAMTS18):c.3081C>T (p.Pro1027=)

Gene: ADAMTS18 (ADAM metallopeptidase with thrombospondin type 1 motif 18; minus strand). Cytogenetic location: 16q23.1.
Variant type: single nucleotide variant.
Coding change: c.3081C>T on transcript NM_199355.4 (MANE Select); coding-DNA position 3081, C replaced by T.
Protein change: p.Pro1027=; no amino-acid change (proline 1027 retained).
Molecular consequence: synonymous variant.
Genome position (GRCh38, 1-based): chr16:77,293,184, G>A on the plus strand (C>T on the coding strand, the complement: ADAMTS18 is on the minus strand). VCF-style: chr16-77293184-G-A. GRCh37 (hg19) VCF-style: chr16-77327081-G-A.
Other names: c.2565C>T, p.Pro855= (NM_001326358.2); c.3081C>T (NM_199355.3).
Identifiers: ClinVar variation 1542455 (VCV001542455.10), dbSNP rs373173918, ClinGen allele CA8180619.

ClinVar aggregate classification (germline): Likely benign. Review status: criteria provided, multiple submitters, no conflicts (2 of 4 stars). 3 submissions from 3 submitters: Likely benign (3). Last evaluated 2026-09-15.

Conditions:
ADAMTS18-related disorder. Also called: ADAMTS18-related condition.

Allele frequency attached by ClinVar (database versions not stated): gnomAD exomes 0.00005 and 0.00010; ESP Exome Variant Server 0.00008; gnomAD 0.00008 and 0.00009; TOPMed 0.00008; ExAC 0.00017.
gnomAD v4.1: 88 of 1,613,770 alleles (0.0055%); highest among the groups gnomAD compares: Middle Eastern, 0.082%; 1 homozygote.

Submissions (3):

PreventionGenetics, part of Exact Sciences
Classification: Likely benign for ADAMTS18-related condition. Last evaluated: 2026-09-15. Review status: criteria provided, single submitter. Criteria: ACMG Guidelines, 2015. Collection method: clinical testing. Allele origin: germline.
Comment: This variant is classified as likely benign based on ACMG/AMP sequence variant interpretation guidelines (Richards et al. 2015 PMID: 25741868, with internal and published modifications).

Labcorp Genetics (formerly Invitae), Labcorp
Classification: Likely benign. Last evaluated: 2025-06-23. Review status: criteria provided, single submitter. Criteria: Invitae Variant Classification Sherloc (09022015). Collection method: clinical testing. Allele origin: germline.

Blueprint Genetics
Classification: Likely benign. Last evaluated: 2024-08-30. Review status: criteria provided, single submitter. Criteria: ACMG Guidelines, 2015. Collection method: clinical testing. Allele origin: germline.